The following is an entry in ClinVar:

NM_001349232.2(ATG7):c.37C>T (p.Leu13=)

Gene: ATG7 (autophagy related 7; plus strand). Cytogenetic location: 3p25.3.
Variant type: single nucleotide variant.
Coding change: c.37C>T on transcript NM_001349232.2 (MANE Select); coding-DNA position 37, C replaced by T.
Protein change: p.Leu13=; no amino-acid change (leucine 13 retained).
Molecular consequence: synonymous variant. On other transcripts: 5 prime UTR variant (1).
Genome position (GRCh38, 1-based): chr3:11,298,732, C>T. VCF-style: chr3-11298732-C-T. GRCh37 (hg19) VCF-style: chr3-11340206-C-T.
Other names: c.37C>T, p.Leu13= (NM_001136031.3, NM_001144912.2, NM_001349233.2 and 5 more transcripts); c.-775C>T (NM_001349238.2).
Identifiers: ClinVar variation 3898113 (VCV003898113.7).

ClinVar aggregate classification (germline): Likely benign (1 of 4 stars; one submission).

gnomAD v4.1: 77 of 1,614,068 alleles (0.0048%); highest among the groups gnomAD compares: Middle Eastern, 0.12%; no homozygotes.

Submission:

CeGaT Center for Human Genetics Tuebingen
Classification: Likely benign. Last evaluated: 2025-04-01. Review status: criteria provided, single submitter. Criteria: CeGaT Center For Human Genetics Tuebingen Variant Classification Criteria Version 2. Collection method: clinical testing. Allele origin: germline. Affected: yes. Observed: 1 variant allele.
Comment: ATG7: BP4, BP7